The following is an entry in ClinVar:

NM_014444.5(TUBGCP4):c.1367A>G (p.Tyr456Cys)

Gene: TUBGCP4 (tubulin gamma complex component 4; plus strand). Cytogenetic location: 15q15.3.
Variant type: single nucleotide variant.
Coding change: c.1367A>G on transcript NM_014444.5 (MANE Select); coding-DNA position 1367, A replaced by G.
Protein change: p.Tyr456Cys; replaces tyrosine 456 with cysteine.
Molecular consequence: missense variant.
Genome position (GRCh38, 1-based): chr15:43,398,128, A>G. VCF-style: chr15-43398128-A-G. GRCh37 (hg19) VCF-style: chr15-43690326-A-G.
Other names: c.1370A>G, p.Tyr457Cys (NM_001286414.3); short protein forms Y457C, Y456C.
Identifiers: ClinVar variation 1382089 (VCV001382089.6), dbSNP rs916462588, ClinGen allele CA269999730.

ClinVar aggregate classification (germline): Uncertain significance (1 of 4 stars; one submission).

Allele frequency attached by ClinVar (database versions not stated): gnomAD exomes below 0.00001; gnomAD 0.00001.
gnomAD v4.1: 2 of 1,613,988 alleles (0.00012%); highest among the groups gnomAD compares: African/African-American, 0.0027%; no homozygotes.

Submission:

Labcorp Genetics (formerly Invitae), Labcorp
Classification: Uncertain significance. Last evaluated: 2021-09-18. Review status: criteria provided, single submitter. Criteria: Invitae Variant Classification Sherloc (09022015). Collection method: clinical testing. Allele origin: germline.
Comment: This sequence change replaces tyrosine with cysteine at codon 457 of the TUBGCP4 protein (p.Tyr457Cys). The tyrosine residue is highly conserved and there is a large physicochemical difference between tyrosine and cysteine. This variant is not present in population databases (ExAC no frequency). This variant has not been reported in the literature in individuals affected with TUBGCP4-related conditions. Algorithms developed to predict the effect of missense changes on protein structure and function (SIFT, PolyPhen-2, Align-GVGD) all suggest that this variant is likely to be disruptive. In summary, the available evidence is currently insufficient to determine the role of this variant in disease. Therefore, it has been classified as a Variant of Uncertain Significance.